The following is an entry in ClinVar:

ClinVar aggregate classification (germline): Uncertain significance (1 of 4 stars; one submission).

Submission:

Labcorp Genetics (formerly Invitae), Labcorp
Classification: Uncertain significance. Last evaluated: 2024-04-22. Review status: criteria provided, single submitter. Criteria: Invitae Variant Classification Sherloc (09022015). Collection method: clinical testing. Allele origin: germline.
Comment: This sequence change replaces serine, which is neutral and polar, with isoleucine, which is neutral and non-polar, at codon 242 of the SIX6 protein (p.Ser242Ile). This variant is present in population databases (no rsID available, gnomAD 0.006%). This missense change has been observed in individual(s) with primary open-angle glaucoma (PMID: 24875647). ClinVar contains an entry for this variant (Variation ID: 1509007). An algorithm developed to predict the effect of missense changes on protein structure and function (PolyPhen-2) suggests that this variant is likely to be disruptive. Experimental studies have shown that this missense change affects SIX6 function (PMID: 24875647). In summary, the available evidence is currently insufficient to determine the role of this variant in disease. Therefore, it has been classified as a Variant of Uncertain Significance.

Literature cited by the submitters: PubMed 24875647.

NM_007374.3(SIX6):c.725_726delinsTT (p.Ser242Ile)

Genes: C14orf39 (chromosome 14 open reading frame 39; minus strand), SIX6 (SIX homeobox 6; plus strand). Cytogenetic location: 14q23.1.
Variant type: Indel.
Coding change: c.725_726delinsTT on transcript NM_007374.3 (MANE Select); coding-DNA positions 725 to 726, GC replaced by TT.
Protein change: p.Ser242Ile; replaces serine 242 with isoleucine.
Molecular consequence: missense variant.
Genome position (GRCh38, 1-based): chr14:60,511,236-60,511,237, GC replaced by TT. VCF-style: chr14-60511236-GC-TT. GRCh37 (hg19) VCF-style: chr14-60977954-GC-TT.
Other names: short protein forms S242I.
Identifiers: ClinVar variation 1509007 (VCV001509007.4), dbSNP rs2140189782, ClinGen allele CA2573150079.